The following is an entry in ClinVar:

ClinVar aggregate classification (germline): Uncertain significance. Review status: criteria provided, multiple submitters, no conflicts (2 of 4 stars). 2 submissions from 2 submitters: Uncertain significance (2). Last evaluated 2025-03-20.

Conditions:
Familial cancer of breast. Also called: hereditary breast carcinoma; BREAST CANCER, FAMILIAL; Hereditary breast cancer. Identifiers: Orphanet 227535, MedGen C0346153, MONDO:0016419, OMIM 114480. Disease mechanism: loss of function.
Fanconi anemia complementation group J. Also called: BRIP1-Related Fanconi Anemia. Identifiers: Orphanet 84, MedGen C1836860, MONDO:0012187, OMIM 609054.
Hereditary cancer-predisposing syndrome. Also called: Hereditary neoplastic syndrome; Neoplastic Syndromes, Hereditary; Tumor predisposition; Hereditary Cancer Syndrome. Identifiers: Orphanet 140162, MedGen C0027672, MeSH D009386, MONDO:0015356.

Submissions (2):

Ambry Genetics
Classification: Uncertain significance for Hereditary cancer-predisposing syndrome. Last evaluated: 2025-03-20. Review status: criteria provided, single submitter. Criteria: Ambry Variant Classification Scheme 2023. Collection method: clinical testing. Allele origin: germline.
Comment: The p.P1048L variant (also known as c.3143C>T), located in coding exon 19 of the BRIP1 gene, results from a C to T substitution at nucleotide position 3143. The proline at codon 1048 is replaced by leucine, an amino acid with similar properties. This amino acid position is not well conserved in available vertebrate species. In addition, this alteration is predicted to be tolerated by in silico analysis. Since supporting evidence is limited at this time, the clinical significance of this alteration remains unclear.

Labcorp Genetics (formerly Invitae), Labcorp
Classification: Uncertain significance for Familial cancer of breast; Fanconi anemia complementation group J. Last evaluated: 2022-12-23. Review status: criteria provided, single submitter. Criteria: Invitae Variant Classification Sherloc (09022015). Collection method: clinical testing. Allele origin: germline.
Comment: This sequence change replaces proline, which is neutral and non-polar, with leucine, which is neutral and non-polar, at codon 1048 of the BRIP1 protein (p.Pro1048Leu). This variant is not present in population databases (gnomAD no frequency). This variant has not been reported in the literature in individuals affected with BRIP1-related conditions. ClinVar contains an entry for this variant (Variation ID: 1006221). Algorithms developed to predict the effect of missense changes on protein structure and function output the following: SIFT: "Tolerated"; PolyPhen-2: "Benign"; Align-GVGD: "Class C0". The leucine amino acid residue is found in multiple mammalian species, which suggests that this missense change does not adversely affect protein function. In summary, the available evidence is currently insufficient to determine the role of this variant in disease. Therefore, it has been classified as a Variant of Uncertain Significance.

NM_032043.3(BRIP1):c.3143C>T (p.Pro1048Leu)

Gene: BRIP1 (BRCA1 interacting DNA helicase 1; minus strand). Cytogenetic location: 17q23.2.
Variant type: single nucleotide variant.
Coding change: c.3143C>T on transcript NM_032043.3 (MANE Select); coding-DNA position 3143, C replaced by T.
Protein change: p.Pro1048Leu; replaces proline 1048 with leucine.
Molecular consequence: missense variant.
Genome position (GRCh38, 1-based): chr17:61,683,903, G>A on the plus strand (C>T on the coding strand, the complement: BRIP1 is on the minus strand). VCF-style: chr17-61683903-G-A. GRCh37 (hg19) VCF-style: chr17-59761264-G-A.
Other names: short protein forms P1048L.
Identifiers: ClinVar variation 1006221 (VCV001006221.13), dbSNP rs896510433, ClinGen allele CA400479571.
Genomic context (GRCh38, chr17:61,683,903, plus strand): 5'-GGGCATGATCCAAACGATGTGTTTACTGTCAGATTTGAGGATTCACATTTATCAGTGAAG[G>A]GCAAAACAGTTTTACTTTCCATCTTCTCTGTTTTGAAACGGGGAGGACTAGAGGCACTAT-3'
Protein context (NP_114432.2, residues 1038-1058): TEKMESKTVL[Pro1048Leu]FTDKCESSNL